The following is an entry in ClinVar:

ClinVar aggregate classification (germline): Benign (1 of 4 stars; one submission).

Allele frequency attached by ClinVar (database versions not stated): ESP Exome Variant Server 0.00032; 1000 Genomes Project 0.00040; 1000 Genomes Project 30x 0.00047; gnomAD exomes 0.00053; gnomAD 0.00056; TOPMed 0.00069; ExAC 0.00164.
gnomAD v4.1: 889 of 1,581,662 alleles (0.056%); highest among the groups gnomAD compares: Middle Eastern, 0.42%; 3 homozygotes.

Submission:

CeGaT Center for Human Genetics Tuebingen
Classification: Benign. Last evaluated: 2022-08-01. Review status: criteria provided, single submitter. Criteria: CeGaT Center For Human Genetics Tuebingen Variant Classification Criteria Version 2. Collection method: clinical testing. Allele origin: germline. Affected: yes. Observed: 1 variant allele.
Comment: SPTBN5: BS1, BS2

NM_016642.4(SPTBN5):c.6837T>C (p.Asn2279=)

Gene: SPTBN5 (spectrin beta, non-erythrocytic 5; minus strand). Cytogenetic location: 15q15.1.
Variant type: single nucleotide variant.
Coding change: c.6837T>C on transcript NM_016642.4 (MANE Select); coding-DNA position 6837, T replaced by C.
Protein change: p.Asn2279=; no amino-acid change (asparagine 2279 retained).
Molecular consequence: synonymous variant.
Genome position (GRCh38, 1-based): chr15:41,865,889, A>G on the plus strand (T>C on the coding strand, the complement: SPTBN5 is on the minus strand). VCF-style: chr15-41865889-A-G. GRCh37 (hg19) VCF-style: chr15-42158087-A-G.
Identifiers: ClinVar variation 2645216 (VCV002645216.24), dbSNP rs369144299, ClinGen allele CA7502474.